The following is an entry in ClinVar:

ClinVar aggregate classification (germline): Likely benign (1 of 4 stars; one submission).

gnomAD v4.1: 5 of 1,211,224 alleles (0.00041%); highest among the groups gnomAD compares: South Asian, 0.0018%; no homozygotes.

Submission:

CeGaT Center for Human Genetics Tuebingen
Classification: Likely benign. Last evaluated: 2023-03-01. Review status: criteria provided, single submitter. Criteria: CeGaT Center For Human Genetics Tuebingen Variant Classification Criteria Version 2. Collection method: clinical testing. Allele origin: germline. Affected: yes. Observed: 1 variant allele.
Comment: KLHL15: BP4, BP7

NM_030624.3(KLHL15):c.300C>T (p.Thr100=)

Gene: KLHL15 (kelch like family member 15; minus strand). Cytogenetic location: Xp22.11.
Variant type: single nucleotide variant.
Coding change: c.300C>T on transcript NM_030624.3 (MANE Select); coding-DNA position 300, C replaced by T.
Protein change: p.Thr100=; no amino-acid change (threonine 100 retained).
Molecular consequence: synonymous variant.
Genome position (GRCh38, 1-based): chrX:24,006,394, G>A on the plus strand (C>T on the coding strand, the complement: KLHL15 is on the minus strand). VCF-style: chrX-24006394-G-A. GRCh37 (hg19) VCF-style: chrX-24024511-G-A.
Identifiers: ClinVar variation 2660179 (VCV002660179.24), dbSNP rs528490470, ClinGen allele CA515621012.